The following is an entry in ClinVar:

ClinVar aggregate classification (germline): Uncertain significance (1 of 4 stars; one submission).

gnomAD v4.1: 1 of 1,593,416 alleles (0.000063%); highest among the groups gnomAD compares: Non-Finnish European, 0.000086%; no homozygotes.

Submission:

Labcorp Genetics (formerly Invitae), Labcorp
Classification: Uncertain significance. Last evaluated: 2024-05-10. Review status: criteria provided, single submitter. Criteria: Invitae Variant Classification Sherloc (09022015). Collection method: clinical testing. Allele origin: germline.
Comment: This sequence change replaces leucine, which is neutral and non-polar, with proline, which is neutral and non-polar, at codon 490 of the PDE6C protein (p.Leu490Pro). This variant is present in population databases (no rsID available, gnomAD 0.006%). This variant has not been reported in the literature in individuals affected with PDE6C-related conditions. An algorithm developed to predict the effect of missense changes on protein structure and function (PolyPhen-2) suggests that this variant is likely to be disruptive. In summary, the available evidence is currently insufficient to determine the role of this variant in disease. Therefore, it has been classified as a Variant of Uncertain Significance.

NM_006204.4(PDE6C):c.1469T>C (p.Leu490Pro)

Gene: PDE6C (phosphodiesterase 6C; plus strand). Cytogenetic location: 10q23.33.
Variant type: single nucleotide variant.
Coding change: c.1469T>C on transcript NM_006204.4 (MANE Select); coding-DNA position 1469, T replaced by C.
Protein change: p.Leu490Pro; replaces leucine 490 with proline.
Molecular consequence: missense variant.
Genome position (GRCh38, 1-based): chr10:93,637,050, T>C. VCF-style: chr10-93637050-T-C. GRCh37 (hg19) VCF-style: chr10-95396807-T-C.
Other names: short protein forms L490P.
Identifiers: ClinVar variation 3653004 (VCV003653004.2).